The following is an entry in ClinVar:

NM_006766.5(KAT6A):c.265G>A (p.Gly89Arg)

Gene: KAT6A (lysine acetyltransferase 6A; minus strand). Cytogenetic location: 8p11.21.
Variant type: single nucleotide variant.
Coding change: c.265G>A on transcript NM_006766.5 (MANE Select); coding-DNA position 265, G replaced by A.
Protein change: p.Gly89Arg; replaces glycine 89 with arginine.
Molecular consequence: missense variant.
Genome position (GRCh38, 1-based): chr8:42,048,713, C>T on the plus strand (G>A on the coding strand, the complement: KAT6A is on the minus strand). VCF-style: chr8-42048713-C-T. GRCh37 (hg19) VCF-style: chr8-41906231-C-T.
Other names: c.265G>A, p.Gly89Arg (NM_001305878.2); short protein forms G89R.
Identifiers: ClinVar variation 3255010 (VCV003255010.1), dbSNP rs754795787.

ClinVar aggregate classification (germline): Uncertain significance (1 of 4 stars; one submission).

Conditions:
Autosomal dominant intellectual disability-craniofacial anomalies-cardiac defects syndrome (ARTHS). Also called: Arboleda-Tham syndrome; KAT6A syndrome; Mental retardation, autosomal dominant 32. Identifiers: Orphanet 457193, MedGen C4225396, MONDO:0014558, OMIM 616268.

Allele frequency attached by ClinVar (database versions not stated): gnomAD exomes below 0.00001; ExAC 0.00001.
gnomAD v4.1: 6 of 1,614,186 alleles (0.00037%); highest among the groups gnomAD compares: Non-Finnish European, 0.00051%; no homozygotes.

Submission:

Victorian Clinical Genetics Services, Murdoch Childrens Research Institute
Classification: Uncertain significance for Autosomal dominant intellectual disability-craniofacial anomalies-cardiac defects syndrome. Last evaluated: 2023-12-21. Review status: criteria provided, single submitter. Criteria: ACMG Guidelines, 2015. Collection method: clinical testing. Allele origin: germline. Inheritance: Autosomal dominant inheritance. Affected: yes.
Comment: Based on the classification scheme VCGS_Germline_v1.3.4, this variant is classified as VUS-3B. Following criteria are met: 0102 - Loss of function is a known mechanism of disease in this gene and is associated with Arboleda-Tham syndrome (MIM# 616268). (I) 0107 - This gene is associated with autosomal dominant disease. (I) 0200 - Variant is predicted to result in a missense amino acid change from glycine to arginine. (I) 0251 - This variant is heterozygous. (I) 0302 - Variant is present in gnomAD (v2) <0.001 for a dominant condition (1 heterozygote, 0 homozygotes). (SP) 0501 - Missense variant consistently predicted to be damaging by multiple in silico tools or highly conserved with a major amino acid change. (SP) 0604 - Variant is not located in an established domain, motif, hotspot or informative constraint region. (I) 0705 - No comparable missense variants have previous evidence for pathogenicity. (I) 0807 - This variant has no previous evidence of pathogenicity. (I) 0905 - No published segregation evidence has been identified for this variant. (I) 1007 - No published functional evidence has been identified for this variant. (I) 1208 - Inheritance information for this variant is not currently available in this individual. (I) Legend: (SP) - Supporting pathogenic, (I) - Information, (SB) - Supporting benign